The following is an entry in ClinVar:

NM_007254.4(PNKP):c.178C>G (p.Arg60Gly)

Gene: PNKP (polynucleotide kinase 3'-phosphatase; minus strand). Cytogenetic location: 19q13.33.
Variant type: single nucleotide variant.
Coding change: c.178C>G on transcript NM_007254.4 (MANE Select); coding-DNA position 178, C replaced by G.
Protein change: p.Arg60Gly; replaces arginine 60 with glycine.
Molecular consequence: missense variant.
Genome position (GRCh38, 1-based): chr19:49,866,419, G>C on the plus strand (C>G on the coding strand, the complement: PNKP is on the minus strand). VCF-style: chr19-49866419-G-C. GRCh37 (hg19) VCF-style: chr19-50369676-G-C.
Other names: short protein forms R60G.
Identifiers: ClinVar variation 432738 (VCV000432738.4), dbSNP rs761948305, ClinGen allele CA9587026.

ClinVar aggregate classification (germline): Uncertain significance. Review status: criteria provided, multiple submitters, no conflicts (2 of 4 stars). 2 submissions from 2 submitters: Uncertain significance (2). Last evaluated 2018-01-29.

Conditions:
Inborn genetic diseases. Identifiers: MedGen C0950123, MeSH D030342.

Allele frequency attached by ClinVar (database versions not stated): ExAC 0.00001; gnomAD exomes 0.00001; TOPMed 0.00002.
gnomAD v4.1: 7 of 1,614,010 alleles (0.00043%); highest among the groups gnomAD compares: Admixed American, 0.005%; no homozygotes.

Submissions (2):

Ambry Genetics
Classification: Uncertain significance for Inborn genetic diseases. Last evaluated: 2018-01-29. Review status: criteria provided, single submitter. Criteria: Ambry Variant Classification Scheme 2023. Collection method: clinical testing. Allele origin: germline.
Comment: The p.R60G variant (also known as c.178C>G), located in coding exon 2 of the PNKP gene, results from a C to G substitution at nucleotide position 178. The arginine at codon 60 is replaced by glycine, an amino acid with dissimilar properties. This amino acid position is well conserved in available vertebrate species. In addition, this alteration is predicted to be tolerated by in silico analysis. Since supporting evidence is limited at this time, the clinical significance of this alteration remains unclear.

GeneDx
Classification: Uncertain significance. Last evaluated: 2017-06-15. Review status: criteria provided, single submitter. Criteria: GeneDx Variant Classification (06012015). Collection method: clinical testing. Allele origin: germline. Affected: yes.
Comment: A variant of uncertain significance has been identified in the PNKP gene. The R60G variant has not been published as a pathogenic variant, nor has it been reported as a benign variant to our knowledge. The R60G variant is not observed at a significant frequency in large population cohorts (Lek et al., 2016; 1000 Genomes Consortium et al., 2015; Exome Variant Server). The R60G variant is a non-conservative amino acid substitution, which is likely to impact secondary protein structure as these residues differ in polarity, charge, size and/or other properties. This substitution occurs at a position where amino acids with similar properties to Arginine are tolerated across species. In silico analysis is inconsistent in its predictions as to whether or not the variant is damaging to the protein structure/function. Therefore, based on the currently available information, it is unclear whether this variant is a pathogenic variant or a rare benign variant.